The following is an entry in ClinVar:

ClinVar aggregate classification (germline): Likely benign. Review status: criteria provided, multiple submitters, no conflicts (2 of 4 stars). 3 submissions from 3 submitters: Likely benign (2). 1 of the submissions does not count toward it. Last evaluated 2025-01-01.

Conditions:
CYC1-related disorder. Also called: CYC1-related condition.

Submissions (3):

CeGaT Center for Human Genetics Tuebingen
Classification: Likely benign. Last evaluated: 2025-01-01. Review status: criteria provided, single submitter. Criteria: CeGaT Center For Human Genetics Tuebingen Variant Classification Criteria Version 2. Collection method: clinical testing. Allele origin: germline. Affected: yes. Observed: 1 variant allele.
Comment: CYC1: PM2:Supporting, BP4, BP7

Labcorp Genetics (formerly Invitae), Labcorp
Classification: Likely benign. Last evaluated: 2022-05-27. Review status: criteria provided, single submitter. Criteria: Invitae Variant Classification Sherloc (09022015). Collection method: clinical testing. Allele origin: germline.

PreventionGenetics, part of Exact Sciences
Classification: Likely benign for CYC1-related condition. Last evaluated: 2020-04-28. Review status: no assertion criteria provided. Collection method: clinical testing. Allele origin: germline. Not counted in ClinVar's aggregate classification.
Comment: This variant is classified as likely benign based on ACMG/AMP sequence variant interpretation guidelines (Richards et al. 2015 PMID: 25741868, with internal and published modifications).

NM_001916.5(CYC1):c.72T>C (p.Arg24=)

Gene: CYC1 (cytochrome c1; plus strand). Cytogenetic location: 8q24.3.
Variant type: single nucleotide variant.
Coding change: c.72T>C on transcript NM_001916.5 (MANE Select); coding-DNA position 72, T replaced by C.
Protein change: p.Arg24=; no amino-acid change (arginine 24 retained).
Molecular consequence: synonymous variant.
Genome position (GRCh38, 1-based): chr8:144,095,171, T>C. VCF-style: chr8-144095171-T-C. GRCh37 (hg19) VCF-style: chr8-145150074-T-C.
Other names: c.72T>C (NM_001916.4).
Identifiers: ClinVar variation 1975043 (VCV001975043.20), dbSNP rs2537327948, ClinGen allele CA463424986.